The following is an entry in ClinVar:

ClinVar aggregate classification (germline): Uncertain significance (1 of 4 stars; one submission).

Conditions:
Cohen syndrome (COH1). Also called: PEPPER SYNDROME; Cutis verticis gyrata, retinitis pigmentosa, and sensorineural deafness. Identifiers: Orphanet 193, MedGen C0265223, MONDO:0008999, OMIM 216550.

Allele frequency attached by ClinVar (database versions not stated): ExAC 0.00002; TOPMed 0.00003.
gnomAD v4.1: 3 of 1,614,060 alleles (0.00019%); highest among the groups gnomAD compares: Non-Finnish European, 0.00025%; no homozygotes.

Submission:

Labcorp Genetics (formerly Invitae), Labcorp
Classification: Uncertain significance for Cohen syndrome. Last evaluated: 2025-12-18. Review status: criteria provided, single submitter. Criteria: Invitae Variant Classification Sherloc (09022015). Collection method: clinical testing. Allele origin: germline.
Comment: This sequence change replaces proline, which is neutral and non-polar, with histidine, which is basic and polar, at codon 1004 of the VPS13B protein (p.Pro1004His). This variant is present in population databases (rs781433210, gnomAD 0.006%). This variant has not been reported in the literature in individuals affected with VPS13B-related conditions. ClinVar contains an entry for this variant (Variation ID: 2141590). Invitae Evidence Modeling of protein sequence and biophysical properties (such as structural, functional, and spatial information, amino acid conservation, physicochemical variation, residue mobility, and thermodynamic stability) indicates that this missense variant is expected to disrupt VPS13B protein function with a positive predictive value of 80%. In summary, the available evidence is currently insufficient to determine the role of this variant in disease. Therefore, it has been classified as a Variant of Uncertain Significance.

NM_152564.5(VPS13B):c.3011C>A (p.Pro1004His)

Gene: VPS13B (vacuolar protein sorting 13 homolog B; plus strand). Cytogenetic location: 8q22.2.
Variant type: single nucleotide variant.
Coding change: c.3011C>A on transcript NM_152564.5 (MANE Select); coding-DNA position 3011, C replaced by A.
Protein change: p.Pro1004His; replaces proline 1004 with histidine.
Molecular consequence: missense variant.
Genome position (GRCh38, 1-based): chr8:99,391,633, C>A. VCF-style: chr8-99391633-C-A. GRCh37 (hg19) VCF-style: chr8-100403861-C-A.
Other names: c.3011C>A, p.Pro1004His (NM_017890.5); short protein forms P1004H.
Identifiers: ClinVar variation 2141590 (VCV002141590.4), dbSNP rs781433210, ClinGen allele CA4823132.